The following is an entry in ClinVar:

ClinVar aggregate classification (germline): Uncertain significance (1 of 4 stars; one submission).

gnomAD v4.1: 3 of 1,613,420 alleles (0.00019%); highest among the groups gnomAD compares: Non-Finnish European, 0.00025%; no homozygotes.

Submission:

Labcorp Genetics (formerly Invitae), Labcorp
Classification: Uncertain significance. Last evaluated: 2020-11-26. Review status: criteria provided, single submitter. Criteria: Invitae Variant Classification Sherloc (09022015). Collection method: clinical testing. Allele origin: germline.
Comment: This sequence change replaces arginine with proline at codon 185 of the C9 protein (p.Arg185Pro). The arginine residue is highly conserved and there is a moderate physicochemical difference between arginine and proline. This variant is not present in population databases (ExAC no frequency). This variant has not been reported in the literature in individuals with C9-related conditions. Algorithms developed to predict the effect of missense changes on protein structure and function are either unavailable or do not agree on the potential impact of this missense change (SIFT: "Not Available"; PolyPhen-2: "Probably Damaging"; Align-GVGD: "Not Available"). In summary, the available evidence is currently insufficient to determine the role of this variant in disease. Therefore, it has been classified as a Variant of Uncertain Significance.

NM_001737.5(C9):c.554G>C (p.Arg185Pro)

Gene: C9 (complement C9; minus strand). Cytogenetic location: 5p13.1.
Variant type: single nucleotide variant.
Coding change: c.554G>C on transcript NM_001737.5 (MANE Select); coding-DNA position 554, G replaced by C.
Protein change: p.Arg185Pro; replaces arginine 185 with proline.
Molecular consequence: missense variant.
Genome position (GRCh38, 1-based): chr5:39,331,737, C>G on the plus strand (G>C on the coding strand, the complement: C9 is on the minus strand). VCF-style: chr5-39331737-C-G. GRCh37 (hg19) VCF-style: chr5-39331839-C-G.
Other names: short protein forms R185P.
Identifiers: ClinVar variation 1351571 (VCV001351571.6), dbSNP rs1335945040, ClinGen allele CA359561608.
Genomic context (GRCh38, chr5:39,331,737, plus strand): 5'-TCATAGATCAAAGAAGCCACGTTCCAAGGTCTTCGGTAGTATGTCAGAGTGTTTCCATCC[C>G]GATCCCGGTTACAGAGTCCATTGTAGAACTCATTGTCAAAAGGTGTGCTTAGGGGATCCA-3'
Protein context (NP_001728.1, residues 175-195): EFYNGLCNRD[Arg185Pro]DGNTLTYYRR